The following is an entry in ClinVar:

NM_002473.6(MYH9):c.5130C>T (p.Ile1710=)

Gene: MYH9 (myosin heavy chain 9; minus strand). Cytogenetic location: 22q12.3.
Variant type: single nucleotide variant.
Coding change: c.5130C>T on transcript NM_002473.6 (MANE Select); coding-DNA position 5130, C replaced by T.
Protein change: p.Ile1710=; no amino-acid change (isoleucine 1710 retained).
Molecular consequence: synonymous variant.
Genome position (GRCh38, 1-based): chr22:36,285,885, G>A on the plus strand (C>T on the coding strand, the complement: MYH9 is on the minus strand). VCF-style: chr22-36285885-G-A. GRCh37 (hg19) VCF-style: chr22-36681931-G-A.
Identifiers: ClinVar variation 504624 (VCV000504624.8), dbSNP rs150198935, ClinGen allele CA10209165.

ClinVar aggregate classification (germline): Likely benign. Review status: criteria provided, multiple submitters, no conflicts (2 of 4 stars). 3 submissions from 3 submitters: Likely benign (3). Last evaluated 2025-06-09.

Allele frequency attached by ClinVar (database versions not stated): ExAC 0.00003; gnomAD 0.00006; gnomAD exomes 0.00006; TOPMed 0.00006; ESP Exome Variant Server 0.00008.
gnomAD v4.1: 94 of 1,613,258 alleles (0.0058%); highest among the groups gnomAD compares: Non-Finnish European, 0.0069%; no homozygotes.

Submissions (3):

Labcorp Genetics (formerly Invitae), Labcorp
Classification: Likely benign. Last evaluated: 2025-06-09. Review status: criteria provided, single submitter. Criteria: Invitae Variant Classification Sherloc (09022015). Collection method: clinical testing. Allele origin: germline.

Blueprint Genetics
Classification: Likely benign. Last evaluated: 2024-02-20. Review status: criteria provided, single submitter. Criteria: ACMG Guidelines, 2015. Collection method: clinical testing. Allele origin: germline.

Laboratory for Molecular Medicine, Mass General Brigham Personalized Medicine
Classification: Likely benign. Last evaluated: 2012-04-30. Review status: criteria provided, single submitter. Criteria: LMM Criteria. Collection method: clinical testing. Allele origin: germline. Observed: 1 variant allele.
Comment: p.Ile1710Ile in Exon 36 of MYH9: This variant is not expected to have clinical s ignificance because it does not alter an amino acid residue, is not located with in the splice consensus sequence and splice prediction algorithms do not predict a newly created splice site. This variant has been identified in 10/126528 of E uropean chromosomes by the Genome Aggregation Database (gnomAD; dbSNP rs150198935).